The following is an entry in ClinVar:

ClinVar aggregate classification (germline): Uncertain significance (1 of 4 stars; one submission).

Allele frequency attached by ClinVar (database versions not stated): gnomAD exomes below 0.00001.
gnomAD v4.1: 1 of 1,614,052 alleles (0.000062%); highest among the groups gnomAD compares: Non-Finnish European, 0.000085%; no homozygotes.

Submission:

Labcorp Genetics (formerly Invitae), Labcorp
Classification: Uncertain significance. Last evaluated: 2023-08-17. Review status: criteria provided, single submitter. Criteria: Invitae Variant Classification Sherloc (09022015). Collection method: clinical testing. Allele origin: germline.
Comment: This sequence change replaces histidine, which is basic and polar, with arginine, which is basic and polar, at codon 184 of the TNFRSF11A protein (p.His184Arg). Advanced modeling of protein sequence and biophysical properties (such as structural, functional, and spatial information, amino acid conservation, physicochemical variation, residue mobility, and thermodynamic stability) performed at Invitae indicates that this missense variant is not expected to disrupt TNFRSF11A protein function. ClinVar contains an entry for this variant (Variation ID: 1424573). This variant has not been reported in the literature in individuals affected with TNFRSF11A-related conditions. This variant is present in population databases (no rsID available, gnomAD 0.0009%). In summary, the available evidence is currently insufficient to determine the role of this variant in disease. Therefore, it has been classified as a Variant of Uncertain Significance.

NM_003839.4(TNFRSF11A):c.551A>G (p.His184Arg)

Gene: TNFRSF11A (TNF receptor superfamily member 11a; plus strand). Cytogenetic location: 18q21.33.
Variant type: single nucleotide variant.
Coding change: c.551A>G on transcript NM_003839.4 (MANE Select); coding-DNA position 551, A replaced by G.
Protein change: p.His184Arg; replaces histidine 184 with arginine.
Molecular consequence: missense variant.
Genome position (GRCh38, 1-based): chr18:62,359,984, A>G. VCF-style: chr18-62359984-A-G. GRCh37 (hg19) VCF-style: chr18-60027217-A-G.
Other names: c.551A>G, p.His184Arg (NM_001270949.2, NM_001270950.2, NM_001270951.2); c.509A>G, p.His170Arg (NM_001278268.2); short protein forms H184R, H170R.
Identifiers: ClinVar variation 1424573 (VCV001424573.8), dbSNP rs1275497537, ClinGen allele CA402613608.
Genomic context (GRCh38, chr18:62,359,984, plus strand): 5'-CCAAAGCACTGAACCACCTTTTCCCCCACAGCTGTACCTTCCTTGGAAAGAGAGTAGAAC[A>G]TCATGGGACAGAGAAATCCGATGCGGTTTGCAGTTCTTCTCTGCCAGCTAGAAAACCACC-3'
Protein context (NP_003830.1, residues 174-194): NCTFLGKRVE[His184Arg]HGTEKSDAVC